The following is an entry in ClinVar:

NM_018089.3(ANKZF1):c.1803+6C>G

Gene: ANKZF1 (ankyrin repeat and zinc finger peptidyl tRNA hydrolase 1; plus strand). Cytogenetic location: 2q35.
Variant type: single nucleotide variant.
Coding change: c.1803+6C>G on transcript NM_018089.3 (MANE Select); 6 bases into the intron after coding-DNA position 1803, C replaced by G.
Molecular consequence: intron variant.
Genome position (GRCh38, 1-based): chr2:219,235,591, C>G. VCF-style: chr2-219235591-C-G. GRCh37 (hg19) VCF-style: chr2-220100313-C-G.
Other names: c.1803+6C>G (NM_001042410.2); c.1173+6C>G (NM_001282792.2).
Identifiers: ClinVar variation 2777287 (VCV002777287.3), dbSNP rs1182880307, ClinGen allele CA539842113.

ClinVar aggregate classification (germline): Uncertain significance (1 of 4 stars; one submission).

Allele frequency attached by ClinVar (database versions not stated): TOPMed 0.00001; gnomAD exomes 0.00002.
gnomAD v4.1: 31 of 1,613,918 alleles (0.0019%); highest among the groups gnomAD compares: Non-Finnish European, 0.0025%; no homozygotes.

Submission:

Labcorp Genetics (formerly Invitae), Labcorp
Classification: Uncertain significance. Last evaluated: 2023-04-07. Review status: criteria provided, single submitter. Criteria: Invitae Variant Classification Sherloc (09022015). Collection method: clinical testing. Allele origin: germline.
Comment: Variants that disrupt the consensus splice site are a relatively common cause of aberrant splicing (PMID: 17576681, 9536098). Algorithms developed to predict the effect of sequence changes on RNA splicing suggest that this variant may create or strengthen a splice site. In summary, the available evidence is currently insufficient to determine the role of this variant in disease. Therefore, it has been classified as a Variant of Uncertain Significance. This variant has not been reported in the literature in individuals affected with ANKZF1-related conditions. This variant is present in population databases (no rsID available, gnomAD 0.002%). This sequence change falls in intron 11 of the ANKZF1 gene. It does not directly change the encoded amino acid sequence of the ANKZF1 protein. It affects a nucleotide within the consensus splice site.

Literature cited by the submitters: PubMed 17576681; PubMed 9536098.